The following is an entry in ClinVar:

NM_000214.3(JAG1):c.245A>G (p.Tyr82Cys)

Gene: JAG1 (jagged canonical Notch ligand 1; minus strand). Cytogenetic location: 20p12.2.
Variant type: single nucleotide variant.
Coding change: c.245A>G on transcript NM_000214.3 (MANE Select); coding-DNA position 245, A replaced by G.
Protein change: p.Tyr82Cys; replaces tyrosine 82 with cysteine.
Molecular consequence: missense variant.
Genome position (GRCh38, 1-based): chr20:10,672,843, T>C on the plus strand (A>G on the coding strand, the complement: JAG1 is on the minus strand). VCF-style: chr20-10672843-T-C. GRCh37 (hg19) VCF-style: chr20-10653491-T-C.
Other names: short protein forms Y82C.
Identifiers: ClinVar variation 2013041 (VCV002013041.5), dbSNP rs762389862, ClinGen allele CA9765192.

ClinVar aggregate classification (germline): Uncertain significance. Review status: criteria provided, multiple submitters, no conflicts (2 of 4 stars). 2 submissions from 2 submitters: Uncertain significance (2). Last evaluated 2022-07-01.

Conditions:
Alagille syndrome due to a JAG1 point mutation. Also called: HEPATIC DUCTULAR HYPOPLASIA, SYNDROMATIC; JAG1-Related Alagille Syndrome; Alagille Syndrome 1. Identifiers: Orphanet 261619, Orphanet 52, MedGen C1956125, MONDO:0016862, OMIM 118450.

Allele frequency attached by ClinVar (database versions not stated): ExAC 0.00001.

Submissions (2):

Labcorp Genetics (formerly Invitae), Labcorp
Classification: Uncertain significance for Alagille syndrome due to a JAG1 point mutation. Last evaluated: 2022-07-01. Review status: criteria provided, single submitter. Criteria: Invitae Variant Classification Sherloc (09022015). Collection method: clinical testing. Allele origin: germline.
Comment: In summary, the available evidence is currently insufficient to determine the role of this variant in disease. Therefore, it has been classified as a Variant of Uncertain Significance. Advanced modeling of protein sequence and biophysical properties (such as structural, functional, and spatial information, amino acid conservation, physicochemical variation, residue mobility, and thermodynamic stability) performed at Invitae indicates that this missense variant is expected to disrupt JAG1 protein function. This variant has not been reported in the literature in individuals affected with JAG1-related conditions. This variant is not present in population databases (gnomAD no frequency). This sequence change replaces tyrosine, which is neutral and polar, with cysteine, which is neutral and slightly polar, at codon 82 of the JAG1 protein (p.Tyr82Cys).

Blueprint Genetics
Classification: Uncertain significance. Last evaluated: 2022-03-10. Review status: criteria provided, single submitter. Criteria: ACMG Guidelines, 2015. Collection method: clinical testing. Allele origin: germline.